The following is an entry in ClinVar:

ClinVar aggregate classification (germline): Likely pathogenic (1 of 4 stars; one submission).

Conditions:
Long chain 3-hydroxyacyl-CoA dehydrogenase deficiency. Also called: Deficiency of long-chain 3-hydroxyacyl-coenzyme A dehydrogenase; LCHAD Deficiency. Identifiers: Orphanet 5, MedGen C3711645, MONDO:0012173, OMIM 609016.
Mitochondrial trifunctional protein deficiency. Identifiers: Orphanet 746, MedGen C1969443, MONDO:0012172.

Submission:

Labcorp Genetics (formerly Invitae), Labcorp
Classification: Likely pathogenic for Mitochondrial trifunctional protein deficiency; Long chain 3-hydroxyacyl-CoA dehydrogenase deficiency. Last evaluated: 2026-01-06. Review status: criteria provided, single submitter. Criteria: Invitae Variant Classification Sherloc (09022015). Collection method: clinical testing. Allele origin: germline.
Comment: This sequence change affects a donor splice site in intron 17 of the HADHA gene. It is expected to disrupt RNA splicing. Variants that disrupt the donor or acceptor splice site typically lead to a loss of protein function (PMID: 16199547), and loss-of-function variants in HADHA are known to be pathogenic (PMID: 7738175, 21103935, 21549624, 22459206). This variant is not present in population databases (gnomAD no frequency). This variant has not been reported in the literature in individuals affected with HADHA-related conditions. Algorithms developed to predict the effect of sequence changes on RNA splicing suggest that this variant may disrupt the consensus splice site. In summary, the currently available evidence indicates that the variant is pathogenic, but additional data are needed to prove that conclusively. Therefore, this variant has been classified as Likely Pathogenic.

Literature cited by the submitters: PubMed 16199547; PubMed 7738175; PubMed 21103935; PubMed 21549624; PubMed 22459206.

NM_000182.5(HADHA):c.1885+2T>A

Genes: GAREM2 (GRB2 associated regulator of MAPK1 subtype 2; plus strand), HADHA (hydroxyacyl-CoA dehydrogenase trifunctional multienzyme complex subunit alpha; minus strand). Cytogenetic location: 2p23.3.
Variant type: single nucleotide variant.
Coding change: c.1885+2T>A on transcript NM_000182.5 (MANE Select); the canonical splice donor site of the intron after coding-DNA position 1885, T replaced by A.
Molecular consequence: splice donor variant.
Genome position (GRCh38, 1-based): chr2:26,193,575, A>T on the plus strand (T>A on the coding strand, the complement: HADHA is on the minus strand). VCF-style: chr2-26193575-A-T. GRCh37 (hg19) VCF-style: chr2-26416444-A-T.
Identifiers: ClinVar variation 4787201 (VCV004787201.1).